The following is an entry in ClinVar:

NM_001127701.1(SERPINA1):c.682G>A (p.Glu228Lys)

Gene: SERPINA1 (serpin family A member 1; minus strand). Cytogenetic location: 14q32.13.
Variant type: single nucleotide variant.
Coding change: c.682G>A on transcript NM_001127701.1; coding-DNA position 682, G replaced by A.
Protein change: p.Glu228Lys; replaces glutamic acid 228 with lysine.
Molecular consequence: missense variant (on NM_000295.5).
Genome position (GRCh38, 1-based): chr14:94,381,106, C>T on the plus strand (G>A on the coding strand, the complement: SERPINA1 is on the minus strand). VCF-style: chr14-94381106-C-T. GRCh37 (hg19) VCF-style: chr14-94847443-C-T.
Other names: E204K; SERPINA1, GLU204LYS ON M1V; c.682G>A, p.Glu228Lys (NM_000295.5, NM_001002235.3, NM_001002236.3 and 8 more transcripts); short protein forms E228K.
Identifiers: ClinVar variation 17963 (VCV000017963.8), dbSNP rs199422208, ClinGen allele CA127638.

ClinVar aggregate classification (germline): Uncertain significance. Review status: criteria provided, multiple submitters, no conflicts (2 of 4 stars). 5 submissions from 5 submitters: Uncertain significance (2). 3 of the submissions do not count toward it. Last evaluated 2025-07-23.

Conditions:
Alpha-1-antitrypsin deficiency (A1ATD). Also called: AAT deficiency; A1AT deficiency; Alpha1-Antitrypsin Deficiency. Identifiers: Orphanet 60, MedGen C0221757, MONDO:0013282, OMIM 613490.
PI X.

Allele frequency attached by ClinVar (database versions not stated): ExAC 0.00002; gnomAD 0.00002; gnomAD exomes 0.00002 and 0.00006; TOPMed 0.00006.

Submissions (5):

Labcorp Genetics (formerly Invitae), Labcorp
Classification: Uncertain significance for Alpha-1-antitrypsin deficiency. Last evaluated: 2025-07-23. Review status: criteria provided, single submitter. Criteria: Invitae Variant Classification Sherloc (09022015). Collection method: clinical testing. Allele origin: germline.
Comment: This sequence change replaces glutamic acid, which is acidic and polar, with lysine, which is basic and polar, at codon 228 of the SERPINA1 protein (p.Glu228Lys). This variant is present in population databases (rs199422208, gnomAD 0.007%). This missense change has been observed in individual(s) with SERPINA1-related conditions (PMID: 11524735, 31307431). This variant is also known as E204K. ClinVar contains an entry for this variant (Variation ID: 17963). Invitae Evidence Modeling of protein sequence and biophysical properties (such as structural, functional, and spatial information, amino acid conservation, physicochemical variation, residue mobility, and thermodynamic stability) indicates that this missense variant is not expected to disrupt SERPINA1 protein function with a negative predictive value of 80%. In summary, the available evidence is currently insufficient to determine the role of this variant in disease. Therefore, it has been classified as a Variant of Uncertain Significance.

Mayo Clinic Laboratories, Mayo Clinic
Classification: Uncertain significance. Last evaluated: 2021-12-30. Review status: criteria provided, single submitter. Criteria: ACMG Guidelines, 2015. Collection method: clinical testing. Allele origin: germline.

Counsyl
Classification: Uncertain significance for Alpha-1-antitrypsin deficiency. Last evaluated: 2017-11-09. Review status: no assertion criteria provided. Collection method: clinical testing. Allele origin: unknown. Not counted in ClinVar's aggregate classification.

OMIM
Classification: other for PI X. Last evaluated: 2016-07-15. Review status: no assertion criteria provided. Collection method: literature only. Allele origin: germline. Not counted in ClinVar's aggregate classification.

Department of Laboratory Medicine and Genetics, Trillium Health Partners Credit Valley Hospital
Classification: Benign for Alpha-1-antitrypsin deficiency. Last evaluated: 2014-12-08. Review status: no assertion criteria provided. Collection method: curation. Allele origin: germline. Affected: yes. Not counted in ClinVar's aggregate classification.

Literature cited by the submitters: PubMed 11524735 (cited by Labcorp Genetics (formerly Invitae), Labcorp and Counsyl); PubMed 31307431 (cited by Labcorp Genetics (formerly Invitae), Labcorp); PubMed 2185272 (cited by Counsyl); PubMed 2696185 (cited by OMIM).